The following is an entry in ClinVar:

NM_032242.4(PLXNA1):c.5307G>A (p.Thr1769=)

Gene: PLXNA1 (plexin A1; plus strand). Cytogenetic location: 3q21.3.
Variant type: single nucleotide variant.
Coding change: c.5307G>A on transcript NM_032242.4 (MANE Select); coding-DNA position 5307, G replaced by A.
Protein change: p.Thr1769=; no amino-acid change (threonine 1769 retained).
Molecular consequence: synonymous variant.
Genome position (GRCh38, 1-based): chr3:127,032,462, G>A. VCF-style: chr3-127032462-G-A. GRCh37 (hg19) VCF-style: chr3-126751305-G-A.
Identifiers: ClinVar variation 4983624 (VCV004983624.1).
Genomic context (GRCh38, chr3:127,032,462, plus strand): 5'-CTGGGTGAACGTGATCAAGAACCCACAGTTTGTGTTCGACATTCACAAGAACAGCATCAC[G>A]GACGCCTGCTTGTCGGTGGTGGCCCAGACCTTCATGGACTCCTGCTCCACCTCTGAGCAC-3'
Protein context (NP_115618.3, residues 1759-1779): FVFDIHKNSI[Thr1769=]DACLSVVAQT

ClinVar aggregate classification (germline): Likely benign (1 of 4 stars; one submission).

Conditions:
PLXNA1-related disorder. Also called: PLXNA1-related condition.

gnomAD v4.1: 19 of 1,613,922 alleles (0.0012%); highest among the groups gnomAD compares: East Asian, 0.0022%; no homozygotes.

Submission:

PreventionGenetics, part of Exact Sciences
Classification: Likely benign for PLXNA1-related condition. Last evaluated: 2025-07-01. Review status: criteria provided, single submitter. Criteria: ACMG Guidelines, 2015. Collection method: clinical testing. Allele origin: germline.
Comment: This variant is classified as likely benign based on ACMG/AMP sequence variant interpretation guidelines (Richards et al. 2015 PMID: 25741868, with internal and published modifications).